The following is an entry in ClinVar:

ClinVar aggregate classification (germline): Likely benign. Review status: criteria provided, multiple submitters, no conflicts (2 of 4 stars). 2 submissions from 2 submitters: Likely benign (2). Last evaluated 2025-05-07.

Conditions:
NOTCH2-related disorder. Also called: NOTCH2-related condition.
Hajdu-Cheney syndrome (HJCYS). Also called: ACROOSTEOLYSIS WITH OSTEOPOROSIS AND CHANGES IN SKULL AND MANDIBLE; Acroosteolysis dominant type; SERPENTINE FIBULA-POLYCYSTIC KIDNEY SYNDROME. Identifiers: Orphanet 955, MedGen C0917715, MONDO:0007057, OMIM 102500.

Allele frequency attached by ClinVar (database versions not stated): gnomAD exomes below 0.00001; ExAC 0.00002; TOPMed 0.00002.
gnomAD v4.1: 12 of 1,613,976 alleles (0.00074%); highest among the groups gnomAD compares: Admixed American, 0.0067%; no homozygotes.

Submissions (2):

Labcorp Genetics (formerly Invitae), Labcorp
Classification: Likely benign for Hajdu-Cheney syndrome. Last evaluated: 2025-05-07. Review status: criteria provided, single submitter. Criteria: Invitae Variant Classification Sherloc (09022015). Collection method: clinical testing. Allele origin: germline.

PreventionGenetics, part of Exact Sciences
Classification: Likely benign for NOTCH2-related condition. Last evaluated: 2025-02-07. Review status: criteria provided, single submitter. Criteria: ACMG Guidelines, 2015. Collection method: clinical testing. Allele origin: germline.
Comment: This variant is classified as likely benign based on ACMG/AMP sequence variant interpretation guidelines (Richards et al. 2015 PMID: 25741868, with internal and published modifications).

NM_024408.4(NOTCH2):c.1728C>T (p.Pro576=)

Gene: NOTCH2 (notch receptor 2; minus strand). Cytogenetic location: 1p12.
Variant type: single nucleotide variant.
Coding change: c.1728C>T on transcript NM_024408.4 (MANE Select); coding-DNA position 1728, C replaced by T.
Protein change: p.Pro576=; no amino-acid change (proline 576 retained).
Molecular consequence: synonymous variant.
Genome position (GRCh38, 1-based): chr1:119,963,761, G>A on the plus strand (C>T on the coding strand, the complement: NOTCH2 is on the minus strand). VCF-style: chr1-119963761-G-A. GRCh37 (hg19) VCF-style: chr1-120506384-G-A.
Other names: c.1728C>T, p.Pro576= (NM_001200001.2); c.1728C>T (NM_024408.3).
Identifiers: ClinVar variation 2170572 (VCV002170572.5), dbSNP rs782749200, ClinGen allele CA1040460.